The following is an entry in ClinVar:

ClinVar aggregate classification (germline): Uncertain significance (1 of 4 stars; one submission).

gnomAD v4.1: 14 of 1,199,400 alleles (0.0012%); highest among the groups gnomAD compares: African/African-American, 0.011%; no homozygotes.

Submission:

Women's Health and Genetics/Laboratory Corporation of America, LabCorp
Classification: Uncertain significance. Last evaluated: 2025-10-16. Review status: criteria provided, single submitter. Criteria: LabCorp Variant Classification Summary - May 2015. Collection method: clinical testing. Allele origin: germline.
Comment: Variant summary: HUWE1 c.10465A>G (p.Thr3489Ala) results in a non-conservative amino acid change in the encoded protein sequence. Algorithms developed to predict the effect of missense changes on protein structure and function are either unavailable or do not agree on the potential impact of this missense change. The variant allele was found at a frequency of 1.9e-05 in 161730 control chromosomes. The available data on variant occurrences in the general population are insufficient to allow any conclusion about variant significance. To our knowledge, no occurrence of c.10465A>G in individuals affected with HUWE1-related conditions and no experimental evidence demonstrating its impact on protein function have been reported. No submitters have cited clinical-significance assessments for this variant to ClinVar. Based on the evidence outlined above, the variant was classified as uncertain significance.

NM_031407.7(HUWE1):c.10465A>G (p.Thr3489Ala)

Gene: HUWE1 (HECT, UBA and WWE domain containing E3 ubiquitin protein ligase 1; minus strand). Cytogenetic location: Xp11.22.
Variant type: single nucleotide variant.
Coding change: c.10465A>G on transcript NM_031407.7 (MANE Select); coding-DNA position 10465, A replaced by G.
Protein change: p.Thr3489Ala; replaces threonine 3489 with alanine.
Molecular consequence: missense variant.
Genome position (GRCh38, 1-based): chrX:53,547,844, T>C on the plus strand (A>G on the coding strand, the complement: HUWE1 is on the minus strand). VCF-style: chrX-53547844-T-C. GRCh37 (hg19) VCF-style: chrX-53574805-T-C.
Other names: c.10462A>G, p.Thr3488Ala (NM_001441048.1, NM_001441051.1, NM_001441053.1 and 2 more transcripts); c.10465A>G, p.Thr3489Ala (NM_001441049.1, NM_001441054.1, NM_001441057.1); c.10486A>G, p.Thr3496Ala (NM_001441050.1, NM_001441055.1); c.10063A>G, p.Thr3355Ala (NM_001441052.1); short protein forms T3355A, T3488A, T3489A, T3496A.
Identifiers: ClinVar variation 4687250 (VCV004687250.1).
Genomic context (GRCh38, chrX:53,547,844, plus strand): 5'-TGGGTGCAGTAGGGGGTGTGGGCGTGGTGGAGGCGGCAGTGGTGGTGGTGGTAGATGTGG[T>C]TGAGGTGGCAGTGGTGGTGGAGGAAGCACCGCTGCCAGAATTAGCCTGTGCTTCTGACAC-3'
Protein context (NP_113584.3, residues 3479-3499): GASSTTTATS[Thr3489Ala]TSTTTTTAAS